The following is an entry in ClinVar:

NM_000419.5(ITGA2B):c.68C>A (p.Pro23His)

Gene: ITGA2B (integrin subunit alpha 2b; minus strand). Cytogenetic location: 17q21.31.
Variant type: single nucleotide variant.
Coding change: c.68C>A on transcript NM_000419.5 (MANE Select); coding-DNA position 68, C replaced by A.
Protein change: p.Pro23His; replaces proline 23 with histidine.
Molecular consequence: missense variant.
Genome position (GRCh38, 1-based): chr17:44,389,406, G>T on the plus strand (C>A on the coding strand, the complement: ITGA2B is on the minus strand). VCF-style: chr17-44389406-G-T. GRCh37 (hg19) VCF-style: chr17-42466774-G-T.
Other names: short protein forms P23H.
Identifiers: ClinVar variation 996172 (VCV000996172.3), dbSNP rs201184269, ClinGen allele CA399807006.

ClinVar aggregate classification (germline): Uncertain significance (3 of 4 stars; one submission).

Conditions:
Glanzmann thrombasthenia. Also called: Glanzmann's thrombasthenia; PLATELET GLYCOPROTEIN IIb-IIIa DEFICIENCY; BLEEDING DISORDER, PLATELET-TYPE, 2; THROMBASTHENIA OF GLANZMANN AND NAEGELI; Thrombasthenia. Identifiers: Orphanet 849, MedGen C0040015, MONDO:0100326.

Submission:

ClinGen Platelet Disorders Variant Curation Expert Panel, ClinGen
Classification: Uncertain significance for Glanzmann thrombasthenia. Last evaluated: 2024-03-07. Review status: reviewed by expert panel. Criteria: ClinGen Platelet ACMG Specifications v2-1. Collection method: curation. Allele origin: germline. Inheritance: Autosomal recessive inheritance.
Comment: The NM_000419.5(ITGA2B):c.68C>A (p.Pro23His) missense variant has been reported in at least one compound heterozygous GT proband (ASH poster abstract only: DOI 10.1182/blood.V110.11.3921.3921). The variant is absent from all population database cohorts, including gnomADv4.0 (PM2_supporting). In summary this variant meets criteria to be classified as uncertain significance for GT. GT-specific criteria applied: PM2_Supporting.